The following is an entry in ClinVar:

ClinVar aggregate classification (germline): Conflicting classifications of pathogenicity. Review status: criteria provided, conflicting classifications (1 of 4 stars). 2 submissions from 2 submitters: Uncertain significance (1); Likely benign (1). Last evaluated 2025-10-01.

Conditions:
Hereditary cancer-predisposing syndrome. Also called: Neoplastic Syndromes, Hereditary; Hereditary Cancer Syndrome; Tumor predisposition; Hereditary neoplastic syndrome. Identifiers: Orphanet 140162, MedGen C0027672, MeSH D009386, MONDO:0015356.

Allele frequency attached by ClinVar (database versions not stated): TOPMed below 0.00001.
gnomAD v4.1: 4 of 1,504,696 alleles (0.00027%); highest among the groups gnomAD compares: Admixed American, 0.0021%; no homozygotes.

Submissions (2):

Ambry Genetics
Classification: Likely benign for Hereditary cancer-predisposing syndrome. Last evaluated: 2025-10-01. Review status: criteria provided, single submitter. Criteria: Ambry Variant Classification Scheme 2023. Collection method: clinical testing. Allele origin: germline.

Labcorp Genetics (formerly Invitae), Labcorp
Classification: Uncertain significance. Last evaluated: 2023-07-19. Review status: criteria provided, single submitter. Criteria: Invitae Variant Classification Sherloc (09022015). Collection method: clinical testing. Allele origin: germline.
Comment: This variant is not present in population databases (gnomAD no frequency). In summary, the available evidence is currently insufficient to determine the role of this variant in disease. Therefore, it has been classified as a Variant of Uncertain Significance. Experimental studies and prediction algorithms are not available or were not evaluated, and the functional significance of this variant is currently unknown. ClinVar contains an entry for this variant (Variation ID: 1475933). This variant has not been reported in the literature in individuals affected with POLE-related conditions. This sequence change replaces serine, which is neutral and polar, with arginine, which is basic and polar, at codon 5 of the POLE protein (p.Ser5Arg).

NM_006231.4(POLE):c.15C>G (p.Ser5Arg)

Genes: POLE (DNA polymerase epsilon, catalytic subunit; minus strand), LOC130009266 (ATAC-STARR-seq lymphoblastoid silent region 5123; plus strand). Cytogenetic location: 12q24.33.
Variant type: single nucleotide variant.
Coding change: c.15C>G on transcript NM_006231.4 (MANE Select); coding-DNA position 15, C replaced by G.
Protein change: p.Ser5Arg; replaces serine 5 with arginine.
Molecular consequence: missense variant.
Genome position (GRCh38, 1-based): chr12:132,687,301, G>C on the plus strand (C>G on the coding strand, the complement: POLE is on the minus strand). VCF-style: chr12-132687301-G-C. GRCh37 (hg19) VCF-style: chr12-133263887-G-C.
Other names: c.15C>G (NM_006231.2); short protein forms S5R.
Identifiers: ClinVar variation 1475933 (VCV001475933.9), dbSNP rs1361332747, ClinGen allele CA387373511.